The following is an entry in ClinVar:

NM_001042492.3(NF1):c.3503del (p.Gly1168fs)

Gene: NF1 (neurofibromin 1; plus strand). Cytogenetic location: 17q11.2.
Variant type: Deletion.
Coding change: c.3503del on transcript NM_001042492.3 (MANE Select); coding-DNA position 3503, one base deleted (G; older notation c.3503delG).
Protein change: p.Gly1168fs; shifts the reading frame from glycine 1168.
Molecular consequence: frameshift variant.
Genome position (GRCh38, 1-based): chr17:31,233,008, G deleted; the last of 2 consecutive G bases (chr17:31,233,007-31,233,008); deleting either gives the same sequence. VCF-style (leftmost placement, unchanged base first): chr17-31233006-AG-A. GRCh37 (hg19) VCF-style: chr17-29560024-AG-A.
Other names: c.3503delG, p.Gly1168Valfs (NM_000267.4); short protein forms G1168fs.
Identifiers: ClinVar variation 2827944 (VCV002827944.3), dbSNP rs2508237093, ClinGen allele CA2739267377.

ClinVar aggregate classification (germline): Pathogenic (1 of 4 stars; one submission).

Conditions:
Neurofibromatosis, type 1 (NF1). Also called: VON RECKLINGHAUSEN DISEASE; NEUROFIBROMATOSIS, TYPE I, SOMATIC; Neurofibromatosis, type I; Peripheral type neurofibromatosis. Identifiers: Orphanet 636, MedGen C0027831, MONDO:0018975, OMIM 162200. Disease mechanism: loss of function.

Submission:

Labcorp Genetics (formerly Invitae), Labcorp
Classification: Pathogenic for Neurofibromatosis, type 1. Last evaluated: 2023-01-12. Review status: criteria provided, single submitter. Criteria: Invitae Variant Classification Sherloc (09022015). Collection method: clinical testing. Allele origin: germline.
Comment: This sequence change creates a premature translational stop signal (p.Gly1168Valfs*16) in the NF1 gene. It is expected to result in an absent or disrupted protein product. Loss-of-function variants in NF1 are known to be pathogenic (PMID: 10712197, 23913538). For these reasons, this variant has been classified as Pathogenic. This variant has not been reported in the literature in individuals affected with NF1-related conditions. This variant is not present in population databases (gnomAD no frequency).

Literature cited by the submitters: PubMed 10712197; PubMed 23913538.